The following is an entry in ClinVar:

NM_024675.4(PALB2):c.1176A>G (p.Glu392=)

Gene: PALB2 (partner and localizer of BRCA2; minus strand). Cytogenetic location: 16p12.2.
Variant type: single nucleotide variant.
Coding change: c.1176A>G on transcript NM_024675.4 (MANE Select); coding-DNA position 1176, A replaced by G.
Protein change: p.Glu392=; no amino-acid change (glutamic acid 392 retained).
Molecular consequence: synonymous variant.
Genome position (GRCh38, 1-based): chr16:23,635,370, T>C on the plus strand (A>G on the coding strand, the complement: PALB2 is on the minus strand). VCF-style: chr16-23635370-T-C. GRCh37 (hg19) VCF-style: chr16-23646691-T-C.
Identifiers: ClinVar variation 480265 (VCV000480265.17), dbSNP rs1555461423, ClinGen allele CA494461843.
Genomic context (GRCh38, chr16:23,635,370, plus strand): 5'-TGTTCTAACATAATATTCTGCAGGAAACAGAAGGCCTTCAGGCACTGTGCAAGAATGTTT[T>C]TCTGCAGAAAGAGGAGAGGTTGCTTCCAGGCTAAGACTCTTAGGTTGACTTAGAATCTCA-3'
Protein context (NP_078951.2, residues 382-402): SLEATSPLSA[Glu392=]KHSCTVPEGL

ClinVar aggregate classification (germline): Conflicting classifications of pathogenicity. Review status: criteria provided, conflicting classifications (1 of 4 stars). 5 submissions from 5 submitters: Uncertain significance (1); Benign (1); Likely benign (3). Last evaluated 2025-03-04.

Conditions:
Familial cancer of breast. Also called: BREAST CANCER, FAMILIAL; Hereditary breast cancer; hereditary breast carcinoma. Identifiers: Orphanet 227535, MedGen C0346153, MONDO:0016419, OMIM 114480. Disease mechanism: loss of function.
Hereditary cancer-predisposing syndrome. Also called: Hereditary Cancer Syndrome; Neoplastic Syndromes, Hereditary; Tumor predisposition; Hereditary neoplastic syndrome. Identifiers: Orphanet 140162, MedGen C0027672, MeSH D009386, MONDO:0015356.

Allele frequency attached by ClinVar (database versions not stated): gnomAD exomes below 0.00001; TOPMed 0.00001.
gnomAD v4.1: 6 of 1,614,056 alleles (0.00037%); highest among the groups gnomAD compares: Non-Finnish European, 0.00051%; no homozygotes.

Submissions (5):

Center for Genomic Medicine, Rigshospitalet, Copenhagen University Hospital
Classification: Likely benign. Last evaluated: 2025-03-04. Review status: criteria provided, single submitter. Criteria: ACMG Guidelines, 2015. Collection method: clinical testing. Allele origin: germline.

Labcorp Genetics (formerly Invitae), Labcorp
Classification: Likely benign for Familial cancer of breast. Last evaluated: 2025-01-19. Review status: criteria provided, single submitter. Criteria: Invitae Variant Classification Sherloc (09022015). Collection method: clinical testing. Allele origin: germline.

Myriad Genetics, Inc.
Classification: Benign for Familial cancer of breast. Last evaluated: 2025-01-13. Review status: criteria provided, single submitter. Criteria: Myriad Autosomal Dominant, Autosomal Recessive and X-Linked Classification Criteria (2023). Collection method: clinical testing. Allele origin: unknown.
Comment: This variant is considered benign. This variant is a silent/synonymous amino acid change and it is not expected to impact splicing.

Sema4
Classification: Uncertain significance for Hereditary cancer-predisposing syndrome. Last evaluated: 2021-12-10. Review status: criteria provided, single submitter. Criteria: Sema4 Curation Guidelines. Collection method: curation. Allele origin: germline.
Comment: The PALB2 c.1176A>G (p.E392=) variant has been reported in heterozygosity in at least one individual with breast cancer (PMID: 28779002). This variant is not reported in the population database Genome Aggregation Database (PMID: 32461654), but has been reported in ClinVar (Variation ID: 480265). In silico tools suggest the variant may create a cryptic splice acceptor site, though these predictions have not been confirmed by functional studies. Based on the current evidence available, this variant is interpreted as a variant of uncertain significance.

Ambry Genetics
Classification: Likely benign for Hereditary cancer-predisposing syndrome. Last evaluated: 2016-09-16. Review status: criteria provided, single submitter. Criteria: Ambry Variant Classification Scheme 2023. Collection method: clinical testing. Allele origin: germline.

Literature cited by the submitters: PubMed 28779002 (cited by Sema4).